The following is an entry in ClinVar:

ClinVar aggregate classification (germline): Likely pathogenic (1 of 4 stars; one submission).

Conditions:
Branchiootorenal syndrome 1. Also called: Branchio-Oto-Renal Syndrome 1. Identifiers: Orphanet 107, MedGen C4551702, MONDO:0007236, OMIM 113650.

Submission:

Institute of Rare Diseases, West China Hospital, Sichuan University
Classification: Likely pathogenic for Branchiootorenal syndrome 1. Last evaluated: 2025-01-09. Review status: criteria provided, single submitter. Criteria: ClinGen HL ACMG Specifications v1. Collection method: research. Allele origin: germline. Affected: yes.
Comment: PVS1;PM2_Supporting

NM_000503.6(EYA1):c.1713_1716del (p.Phe571fs)

Gene: EYA1 (EYA transcriptional coactivator and phosphatase 1; minus strand). Cytogenetic location: 8q13.3.
Variant type: Deletion.
Coding change: c.1713_1716del on transcript NM_000503.6 (MANE Select); coding-DNA positions 1713 to 1716, 4 bases deleted (CTGG; older notation c.1713_1716delCTGG).
Protein change: p.Phe571fs; shifts the reading frame from phenylalanine 571.
Molecular consequence: frameshift variant.
Genome position (GRCh38, 1-based): chr8:71,199,403-71,199,406, CCAG deleted on the plus strand (CTGG on the coding strand, the reverse complement: EYA1 is on the minus strand). VCF-style (leftmost placement, unchanged base first): chr8-71199402-TCCAG-T. GRCh37 (hg19) VCF-style: chr8-72111637-TCCAG-T.
Other names: c.1695_1698del, p.Phe565fs (NM_001288574.2, NM_172059.5); c.1347_1350del, p.Phe449fs (NM_001288575.2); c.1800_1803del, p.Phe600fs (NM_001370333.1); c.1713_1716del, p.Phe571fs (NM_001370334.1, NM_001370335.1, NM_172058.4); c.1692_1695del, p.Phe564fs (NM_001370336.1); c.1614_1617del, p.Phe538fs (NM_001411797.1, NM_172060.4); short protein forms F449fs, F538fs, F564fs, F565fs, F571fs, F600fs.
Identifiers: ClinVar variation 3601105 (VCV003601105.1).
Genomic context (GRCh38, chr8:71,199,402, plus strand): 5'-ACAGGTACTCCAGTTCCAAGGCATGGTGCAGGGCCATGAGGTCCGAGTGGCTGGAGATCC[TCCAG>T]AAGGGCATCGCGTGCTGCAGCAGAGGCACACATACATGTGAGGACAGAGCACCCAGCGCC-3'